The following is an entry in ClinVar:

NM_001130987.2(DYSF):c.3581A>G (p.Tyr1194Cys)

Gene: DYSF (dysferlin; plus strand). Cytogenetic location: 2p13.2.
Variant type: single nucleotide variant.
Coding change: c.3581A>G on transcript NM_001130987.2 (MANE Select); coding-DNA position 3581, A replaced by G.
Protein change: p.Tyr1194Cys; replaces tyrosine 1194 with cysteine.
Molecular consequence: missense variant.
Genome position (GRCh38, 1-based): chr2:71,598,570, A>G. VCF-style: chr2-71598570-A-G. GRCh37 (hg19) VCF-style: chr2-71825700-A-G.
Other names: c.3530A>G, p.Tyr1177Cys (NM_001130455.2, NM_001130983.2); c.3485A>G, p.Tyr1162Cys (NM_001130976.2, NM_001130977.2); c.3527A>G, p.Tyr1176Cys (NM_001130978.2, NM_003494.4); c.3620A>G, p.Tyr1207Cys (NM_001130979.2); c.3578A>G, p.Tyr1193Cys (NM_001130980.2, NM_001130981.2); c.3623A>G, p.Tyr1208Cys (NM_001130982.2); c.3488A>G, p.Tyr1163Cys (NM_001130984.2, NM_001130986.2); c.3581A>G, p.Tyr1194Cys (NM_001130985.2); short protein forms Y1162C, Y1163C, Y1177C, Y1193C, Y1176C, Y1194C, Y1207C, Y1208C.
Identifiers: ClinVar variation 3086640 (VCV003086640.15), dbSNP rs750763703, ClinGen allele CA49770152.

ClinVar aggregate classification (germline): Uncertain significance. Review status: criteria provided, multiple submitters, no conflicts (2 of 4 stars). 2 submissions from 2 submitters: Uncertain significance (2). Last evaluated 2024-10-01.

Conditions:
Inborn genetic diseases. Identifiers: MedGen C0950123, MeSH D030342.

Allele frequency attached by ClinVar (database versions not stated): gnomAD 0.00001; TOPMed 0.00002.
gnomAD v4.1: 1 of 1,614,012 alleles (0.000062%); highest among the groups gnomAD compares: African/African-American, 0.0013%; no homozygotes.

Submissions (2):

CeGaT Center for Human Genetics Tuebingen
Classification: Uncertain significance. Last evaluated: 2024-10-01. Review status: criteria provided, single submitter. Criteria: CeGaT Center For Human Genetics Tuebingen Variant Classification Criteria Version 2. Collection method: clinical testing. Allele origin: germline. Affected: yes. Observed: 1 variant allele.
Comment: DYSF: PM2, PP3

Ambry Genetics
Classification: Uncertain significance for Inborn genetic diseases. Last evaluated: 2024-03-01. Review status: criteria provided, single submitter. Criteria: Ambry Variant Classification Scheme 2023. Collection method: clinical testing. Allele origin: germline.